The following is an entry in ClinVar:

NM_000821.7(GGCX):c.268C>T (p.Arg90Trp)

Gene: GGCX (gamma-glutamyl carboxylase; minus strand). Cytogenetic location: 2p11.2.
Variant type: single nucleotide variant.
Coding change: c.268C>T on transcript NM_000821.7 (MANE Select); coding-DNA position 268, C replaced by T.
Protein change: p.Arg90Trp; replaces arginine 90 with tryptophan.
Molecular consequence: missense variant.
Genome position (GRCh38, 1-based): chr2:85,559,022, G>A on the plus strand (C>T on the coding strand, the complement: GGCX is on the minus strand). VCF-style: chr2-85559022-G-A. GRCh37 (hg19) VCF-style: chr2-85786145-G-A.
Other names: c.97C>T, p.Arg33Trp (NM_001142269.4); c.268C>T, p.Arg90Trp (NM_001311312.3); short protein forms R90W, R33W.
Identifiers: ClinVar variation 1449429 (VCV001449429.4), dbSNP rs754949082, ClinGen allele CA1742178.
Genomic context (GRCh38, chr2:85,559,022, plus strand): 5'-GTGGGCGTAGGGCATCCAGCAAGGGGAAGCGGCACACATCCAGCCCATCAAGGTATTTCC[G>A]GTCCAGAGAGCTGAGCCCCCGCTCCTGGGGAATGTCTAGCACCATCAAGAACCCTAAGAA-3'
Protein context (NP_000812.2, residues 80-100): PQERGLSSLD[Arg90Trp]KYLDGLDVCR

ClinVar aggregate classification (germline): Uncertain significance (1 of 4 stars; one submission).

Allele frequency attached by ClinVar (database versions not stated): ExAC 0.00001; gnomAD 0.00001; gnomAD exomes 0.00001; TOPMed 0.00003.
gnomAD v4.1: 13 of 1,613,872 alleles (0.00081%); highest among the groups gnomAD compares: East Asian, 0.0067%; no homozygotes.

Submission:

Labcorp Genetics (formerly Invitae), Labcorp
Classification: Uncertain significance. Last evaluated: 2022-06-27. Review status: criteria provided, single submitter. Criteria: Invitae Variant Classification Sherloc (09022015). Collection method: clinical testing. Allele origin: germline.
Comment: This sequence change replaces arginine, which is basic and polar, with tryptophan, which is neutral and slightly polar, at codon 90 of the GGCX protein (p.Arg90Trp). This variant is present in population databases (rs754949082, gnomAD 0.003%). This variant has not been reported in the literature in individuals affected with GGCX-related conditions. Algorithms developed to predict the effect of missense changes on protein structure and function are either unavailable or do not agree on the potential impact of this missense change (SIFT: "Tolerated"; PolyPhen-2: "Possibly Damaging"; Align-GVGD: "Class C0"). In summary, the available evidence is currently insufficient to determine the role of this variant in disease. Therefore, it has been classified as a Variant of Uncertain Significance.